The following is an entry in ClinVar:

NM_000540.3(RYR1):c.5254A>G (p.Ser1752Gly)

Gene: RYR1 (ryanodine receptor 1; plus strand). Cytogenetic location: 19q13.2.
Variant type: single nucleotide variant.
Coding change: c.5254A>G on transcript NM_000540.3 (MANE Select); coding-DNA position 5254, A replaced by G.
Protein change: p.Ser1752Gly; replaces serine 1752 with glycine.
Molecular consequence: missense variant.
Genome position (GRCh38, 1-based): chr19:38,485,909, A>G. VCF-style: chr19-38485909-A-G. GRCh37 (hg19) VCF-style: chr19-38976549-A-G.
Other names: c.5254A>G, p.Ser1752Gly (NM_001042723.2); short protein forms S1752G.
Identifiers: ClinVar variation 5028641 (VCV005028641.1).

ClinVar aggregate classification (germline): Uncertain significance (1 of 4 stars; one submission).

Conditions:
Inborn genetic diseases. Identifiers: MedGen C0950123, MeSH D030342.

gnomAD v4.1: 2 of 1,613,696 alleles (0.00012%); highest among the groups gnomAD compares: East Asian, 0.0022%; no homozygotes.

Submission:

Ambry Genetics
Classification: Uncertain significance for Inborn genetic diseases. Last evaluated: 2026-07-07. Review status: criteria provided, single submitter. Criteria: Ambry Variant Classification Scheme 2023. Collection method: clinical testing. Allele origin: germline.
Comment: The p.S1752G variant (also known as c.5254A>G), located in coding exon 34 of the RYR1 gene, results from an A to G substitution at nucleotide position 5254. The serine at codon 1752 is replaced by glycine, an amino acid with similar properties. This amino acid position is conserved. In addition, this alteration is predicted to be tolerated by in silico analysis. Based on the available evidence, the clinical significance of this variant remains unclear.